The following is an entry in ClinVar:

NM_021076.4(NEFH):c.1865T>C (p.Val622Ala)

Gene: NEFH (neurofilament heavy chain; plus strand). Cytogenetic location: 22q12.2.
Variant type: single nucleotide variant.
Coding change: c.1865T>C on transcript NM_021076.4 (MANE Select); coding-DNA position 1865, T replaced by C.
Protein change: p.Val622Ala; replaces valine 622 with alanine.
Molecular consequence: missense variant.
Genome position (GRCh38, 1-based): chr22:29,489,505, T>C. VCF-style: chr22-29489505-T-C. GRCh37 (hg19) VCF-style: chr22-29885494-T-C.
Other names: short protein forms V622A.
Identifiers: ClinVar variation 2099710 (VCV002099710.4), dbSNP rs1394248873, ClinGen allele CA411132177.

ClinVar aggregate classification (germline): Uncertain significance (1 of 4 stars; one submission).

Submission:

Labcorp Genetics (formerly Invitae), Labcorp
Classification: Uncertain significance. Last evaluated: 2022-02-19. Review status: criteria provided, single submitter. Criteria: Invitae Variant Classification Sherloc (09022015). Collection method: clinical testing. Allele origin: germline.
Comment: This sequence change replaces valine, which is neutral and non-polar, with alanine, which is neutral and non-polar, at codon 622 of the NEFH protein (p.Val622Ala). This variant is not present in population databases (gnomAD no frequency). This variant has not been reported in the literature in individuals affected with NEFH-related conditions. Advanced modeling of protein sequence and biophysical properties (such as structural, functional, and spatial information, amino acid conservation, physicochemical variation, residue mobility, and thermodynamic stability) performed at Invitae indicates that this missense variant is not expected to disrupt NEFH protein function. In summary, the available evidence is currently insufficient to determine the role of this variant in disease. Therefore, it has been classified as a Variant of Uncertain Significance.